The following is an entry in ClinVar:

ClinVar aggregate classification (germline): Likely pathogenic (1 of 4 stars; one submission).

Submission:

Dasa
Classification: Likely pathogenic. Last evaluated: 2026-03-31. Review status: criteria provided, single submitter. Criteria: DASA Assertion Criteria. Collection method: clinical testing. Allele origin: germline.
Comment: NM_017780.4(CHD7):c.5795del (p.Glu1932Glyfs*3) is a frameshift variant in CHD7 predicted to alter the reading frame and introduce a premature termination codon and is predicted to result in an absent or altered protein product. Loss of function is an established disease mechanism for CHD7 (PMID: 21158681; PMID: 16400610; PMID: 19248844). Also, this variant is absent from population databases. Based on the currently available evidence, this variant is classified as likely pathogenic.

Literature cited by the submitters: PubMed 21158681; PubMed 16400610; PubMed 19248844.

NM_017780.4(CHD7):c.5795del (p.Glu1932fs)

Gene: CHD7 (chromodomain helicase DNA binding protein 7; plus strand). Cytogenetic location: 8q12.2.
Variant type: Deletion.
Coding change: c.5795del on transcript NM_017780.4 (MANE Select); coding-DNA position 5795, one base deleted (A; older notation c.5795delA).
Protein change: p.Glu1932fs; shifts the reading frame from glutamic acid 1932.
Molecular consequence: frameshift variant. On other transcripts: intron variant (1).
Genome position (GRCh38, 1-based): chr8:60,852,148, A deleted. VCF-style (leftmost placement, unchanged base first): chr8-60852147-GA-G. GRCh37 (hg19) VCF-style: chr8-61764706-GA-G.
Other names: c.1717-10081del (NM_001316690.1); short protein forms E1932fs.
Identifiers: ClinVar variation 4884269 (VCV004884269.2).